The following is an entry in ClinVar:

NM_004408.4(DNM1):c.1357C>T (p.Arg453Trp)

Gene: DNM1 (dynamin 1; plus strand). Cytogenetic location: 9q34.11.
Variant type: single nucleotide variant.
Coding change: c.1357C>T on transcript NM_004408.4 (MANE Select); coding-DNA position 1357, C replaced by T.
Protein change: p.Arg453Trp; replaces arginine 453 with tryptophan.
Molecular consequence: missense variant.
Genome position (GRCh38, 1-based): chr9:128,234,042, C>T. VCF-style: chr9-128234042-C-T. GRCh37 (hg19) VCF-style: chr9-130996321-C-T.
Other names: c.1357C>T, p.Arg453Trp (NM_001005336.3, NM_001288737.2, NM_001288738.2 and 2 more transcripts); short protein forms R453W.
Identifiers: ClinVar variation 1433979 (VCV001433979.6), dbSNP rs368427334, ClinGen allele CA5258135.

ClinVar aggregate classification (germline): Uncertain significance (1 of 4 stars; one submission).

Conditions:
Developmental and epileptic encephalopathy, 31A. Also called: Epileptic encephalopathy, early infantile, 31; Developmental and epileptic encephalopathy, 31. Identifiers: Orphanet 2382, MedGen C4225357, MONDO:0014598, OMIM 616346.

Allele frequency attached by ClinVar (database versions not stated): ExAC 0.00004; ESP Exome Variant Server 0.00008.
gnomAD v4.1: 7 of 1,575,284 alleles (0.00044%); highest among the groups gnomAD compares: African/African-American, 0.0014%; no homozygotes.

Submission:

Labcorp Genetics (formerly Invitae), Labcorp
Classification: Uncertain significance for Developmental and epileptic encephalopathy, 31A. Last evaluated: 2024-02-26. Review status: criteria provided, single submitter. Criteria: Invitae Variant Classification Sherloc (09022015). Collection method: clinical testing. Allele origin: germline.
Comment: This sequence change replaces arginine, which is basic and polar, with tryptophan, which is neutral and slightly polar, at codon 453 of the DNM1 protein (p.Arg453Trp). The frequency data for this variant in the population databases is considered unreliable, as metrics indicate poor data quality at this position in the gnomAD database. This variant has not been reported in the literature in individuals affected with DNM1-related conditions. ClinVar contains an entry for this variant (Variation ID: 1433979). Advanced modeling of protein sequence and biophysical properties (such as structural, functional, and spatial information, amino acid conservation, physicochemical variation, residue mobility, and thermodynamic stability) performed at Invitae indicates that this missense variant is expected to disrupt DNM1 protein function with a positive predictive value of 95%. In summary, the available evidence is currently insufficient to determine the role of this variant in disease. Therefore, it has been classified as a Variant of Uncertain Significance.